The following is an entry in ClinVar:

ClinVar aggregate classification (germline): Uncertain significance. Review status: criteria provided, multiple submitters, no conflicts (2 of 4 stars). 2 submissions from 2 submitters: Uncertain significance (2). Last evaluated 2025-07-14.

Conditions:
TTC7A-related disorder. Also called: TTC7A-related condition.
Multiple gastrointestinal atresias. Also called: FAMILIAL INTESTINAL POLYATRESIA SYNDROME; Multiple intestinal atresia. Identifiers: Orphanet 2300, MedGen C0220744, MONDO:0009465.

Allele frequency attached by ClinVar (database versions not stated): gnomAD 0.00001; gnomAD exomes 0.00001 and 0.00002; TOPMed 0.00001; ExAC 0.00002.
gnomAD v4.1: 5 of 1,614,096 alleles (0.00031%); highest among the groups gnomAD compares: Admixed American, 0.0083%; no homozygotes.

Submissions (2):

PreventionGenetics, part of Exact Sciences
Classification: Uncertain significance for TTC7A-related condition. Last evaluated: 2025-07-14. Review status: criteria provided, single submitter. Criteria: ACMG Guidelines, 2015. Collection method: clinical testing. Allele origin: germline.
Comment: The TTC7A c.781A>G variant is predicted to result in the amino acid substitution p.Met261Val. To our knowledge, this variant has not been reported in the literature. This variant is reported in 0.011% of alleles in individuals of Latino descent in gnomAD. At this time, the clinical significance of this variant is uncertain due to the absence of conclusive functional and genetic evidence.

Labcorp Genetics (formerly Invitae), Labcorp
Classification: Uncertain significance for Multiple gastrointestinal atresias. Last evaluated: 2021-09-01. Review status: criteria provided, single submitter. Criteria: Invitae Variant Classification Sherloc (09022015). Collection method: clinical testing. Allele origin: germline.
Comment: This sequence change replaces methionine with valine at codon 261 of the TTC7A protein (p.Met261Val). The methionine residue is weakly conserved and there is a small physicochemical difference between methionine and valine. This variant is present in population databases (rs745417467, ExAC 0.009%). This variant has not been reported in the literature in individuals affected with TTC7A-related conditions. Algorithms developed to predict the effect of missense changes on protein structure and function (SIFT, PolyPhen-2, Align-GVGD) all suggest that this variant is likely to be tolerated. Algorithms developed to predict the effect of sequence changes on RNA splicing suggest that this variant may create or strengthen a splice site. In summary, the available evidence is currently insufficient to determine the role of this variant in disease. Therefore, it has been classified as a Variant of Uncertain Significance.

NM_020458.4(TTC7A):c.781A>G (p.Met261Val)

Gene: TTC7A (tetratricopeptide repeat domain 7A; plus strand). Cytogenetic location: 2p21.
Variant type: single nucleotide variant.
Coding change: c.781A>G on transcript NM_020458.4 (MANE Select); coding-DNA position 781, A replaced by G.
Protein change: p.Met261Val; replaces methionine 261 with valine.
Molecular consequence: missense variant. On other transcripts: 5 prime UTR variant (1).
Genome position (GRCh38, 1-based): chr2:46,993,466, A>G. VCF-style: chr2-46993466-A-G. GRCh37 (hg19) VCF-style: chr2-47220605-A-G.
Other names: c.781A>G, p.Met261Val (NM_001288951.2); c.679A>G, p.Met227Val (NM_001288953.2); c.-124A>G (NM_001288955.2); c.781A>G (NM_020458.3); short protein forms M261V, M227V.
Identifiers: ClinVar variation 1437543 (VCV001437543.6), dbSNP rs745417467, ClinGen allele CA1647359.